The following is an entry in ClinVar:

NM_002880.4(RAF1):c.793A>G (p.Met265Val)

Gene: RAF1 (Raf-1 proto-oncogene, serine/threonine kinase; minus strand). Cytogenetic location: 3p25.2.
Variant type: single nucleotide variant.
Coding change: c.793A>G on transcript NM_002880.4 (MANE Select); coding-DNA position 793, A replaced by G.
Protein change: p.Met265Val; replaces methionine 265 with valine.
Molecular consequence: missense variant. On other transcripts: non-coding transcript variant (3).
Genome position (GRCh38, 1-based): chr3:12,604,177, T>C on the plus strand (A>G on the coding strand, the complement: RAF1 is on the minus strand). VCF-style: chr3-12604177-T-C. GRCh37 (hg19) VCF-style: chr3-12645676-T-C.
Other names: c.793A>G, p.Met265Val (NM_001354689.3, NM_001354690.3); c.550A>G, p.Met184Val (NM_001354691.3, NM_001354692.3, NM_001354694.3); c.694A>G, p.Met232Val (NM_001354693.3); c.451A>G, p.Met151Val (NM_001354695.3); short protein forms M184V, M232V, M151V, M265V.
Identifiers: ClinVar variation 953098 (VCV000953098.11), dbSNP rs533494009, ClinGen allele CA2259697.

ClinVar aggregate classification (germline): Uncertain significance. Review status: criteria provided, multiple submitters, no conflicts (2 of 4 stars). 2 submissions from 2 submitters: Uncertain significance (2). Last evaluated 2025-09-10.

Conditions:
RASopathy. Also called: rasopathies; Noonan spectrum disorder. Identifiers: Orphanet 536391, MedGen C5555857, MONDO:0021060.
Cardiovascular phenotype. Identifiers: MedGen CN230736.

Allele frequency attached by ClinVar (database versions not stated): gnomAD 0.00001; gnomAD exomes 0.00001 and 0.00002; ExAC 0.00002; 1000 Genomes Project 30x 0.00016; 1000 Genomes Project 0.00020.
gnomAD v4.1: 21 of 1,614,154 alleles (0.0013%); highest among the groups gnomAD compares: South Asian, 0.013%; 1 homozygote.

Submissions (2):

Labcorp Genetics (formerly Invitae), Labcorp
Classification: Uncertain significance for RASopathy. Last evaluated: 2025-09-10. Review status: criteria provided, single submitter. Criteria: Invitae Variant Classification Sherloc (09022015). Collection method: clinical testing. Allele origin: germline.
Comment: This sequence change replaces methionine, which is neutral and non-polar, with valine, which is neutral and non-polar, at codon 265 of the RAF1 protein (p.Met265Val). This variant is present in population databases (rs533494009, gnomAD 0.02%). This variant has not been reported in the literature in individuals affected with RAF1-related conditions. ClinVar contains an entry for this variant (Variation ID: 953098). Invitae Evidence Modeling incorporating data from in vitro experimental studies (internal data) indicates that this missense variant is not expected to disrupt RAF1 function with a negative predictive value of 80%. In summary, the available evidence is currently insufficient to determine the role of this variant in disease. Therefore, it has been classified as a Variant of Uncertain Significance.

Ambry Genetics
Classification: Uncertain significance for Cardiovascular phenotype. Last evaluated: 2023-08-04. Review status: criteria provided, single submitter. Criteria: Ambry Variant Classification Scheme 2023. Collection method: clinical testing. Allele origin: germline.